The following is an entry in ClinVar:

ClinVar aggregate classification (germline): Uncertain significance. Review status: criteria provided, multiple submitters, no conflicts (2 of 4 stars). 3 submissions from 3 submitters: Uncertain significance (3). Last evaluated 2025-12-21.

Conditions:
PRDM12-related disorder. Also called: PRDM12-related condition.
Inborn genetic diseases. Identifiers: MedGen C0950123, MeSH D030342.
Congenital insensitivity to pain-hypohidrosis syndrome. Also called: HSAN VIII; Neuropathy, hereditary sensory and autonomic, type VIII. Identifiers: Orphanet 478664, MedGen C4225308, MONDO:0014662, OMIM 616488.

Allele frequency attached by ClinVar (database versions not stated): gnomAD 0.00010; 1000 Genomes Project 30x 0.00016.
gnomAD v4.1: 59 of 983,064 alleles (0.006%); highest among the groups gnomAD compares: East Asian, 0.051%; no homozygotes.

Submissions (3):

PreventionGenetics, part of Exact Sciences
Classification: Uncertain significance for PRDM12-related condition. Last evaluated: 2025-12-21. Review status: criteria provided, single submitter. Criteria: ACMG Guidelines, 2015. Collection method: clinical testing. Allele origin: germline.
Comment: The PRDM12 c.1034C>A variant is predicted to result in the amino acid substitution p.Pro345His. To our knowledge, this variant has not been reported in the literature. This variant is reported in 0.0082% of alleles in individuals of European (Non-Finnish) descent in gnomAD. At this time, the clinical significance of this variant is uncertain due to the absence of conclusive functional and genetic evidence.

Labcorp Genetics (formerly Invitae), Labcorp
Classification: Uncertain significance for Congenital insensitivity to pain-hypohidrosis syndrome. Last evaluated: 2023-07-21. Review status: criteria provided, single submitter. Criteria: Invitae Variant Classification Sherloc (09022015). Collection method: clinical testing. Allele origin: germline.
Comment: In summary, the available evidence is currently insufficient to determine the role of this variant in disease. Therefore, it has been classified as a Variant of Uncertain Significance. Experimental studies and prediction algorithms are not available or were not evaluated, and the functional significance of this variant is currently unknown. ClinVar contains an entry for this variant (Variation ID: 1772071). This variant has not been reported in the literature in individuals affected with PRDM12-related conditions. The frequency data for this variant in the population databases is considered unreliable, as metrics indicate poor data quality at this position in the gnomAD database. This sequence change replaces proline, which is neutral and non-polar, with histidine, which is basic and polar, at codon 345 of the PRDM12 protein (p.Pro345His).

Ambry Genetics
Classification: Uncertain significance for Inborn genetic diseases. Last evaluated: 2019-11-21. Review status: criteria provided, single submitter. Criteria: Ambry Variant Classification Scheme 2023. Collection method: clinical testing. Allele origin: germline.
Comment: The p.P345H variant (also known as c.1034C>A), located in coding exon 5 of the PRDM12 gene, results from a C to A substitution at nucleotide position 1034. The proline at codon 345 is replaced by histidine, an amino acid with similar properties. This amino acid position is poorly conserved in available vertebrate species. In addition, this alteration is predicted to be tolerated by in silico analysis. Since supporting evidence is limited at this time, the clinical significance of this alteration remains unclear.

NM_021619.3(PRDM12):c.1034C>A (p.Pro345His)

Gene: PRDM12 (PR/SET domain 12; plus strand). Cytogenetic location: 9q34.12.
Variant type: single nucleotide variant.
Coding change: c.1034C>A on transcript NM_021619.3 (MANE Select); coding-DNA position 1034, C replaced by A.
Protein change: p.Pro345His; replaces proline 345 with histidine.
Molecular consequence: missense variant.
Genome position (GRCh38, 1-based): chr9:130,681,599, C>A. VCF-style: chr9-130681599-C-A. GRCh37 (hg19) VCF-style: chr9-133556986-C-A.
Other names: short protein forms P345H.
Identifiers: ClinVar variation 1772071 (VCV001772071.8), dbSNP rs1484358479, ClinGen allele CA375245220.